The following is an entry in ClinVar:

NM_001211.6(BUB1B):c.499A>T (p.Asn167Tyr)

Gene: BUB1B (BUB1 mitotic checkpoint serine/threonine kinase B; plus strand). Cytogenetic location: 15q15.1.
Variant type: single nucleotide variant.
Coding change: c.499A>T on transcript NM_001211.6 (MANE Select); coding-DNA position 499, A replaced by T.
Protein change: p.Asn167Tyr; replaces asparagine 167 with tyrosine.
Molecular consequence: missense variant.
Genome position (GRCh38, 1-based): chr15:40,176,591, A>T. VCF-style: chr15-40176591-A-T. GRCh37 (hg19) VCF-style: chr15-40468792-A-T.
Other names: short protein forms N167Y.
Identifiers: ClinVar variation 2450822 (VCV002450822.2), dbSNP rs2542524185, ClinGen allele CA391681295.

ClinVar aggregate classification (germline): Uncertain significance (1 of 4 stars; one submission).

Conditions:
Inborn genetic diseases. Identifiers: MedGen C0950123, MeSH D030342.

Submission:

Ambry Genetics
Classification: Uncertain significance for Inborn genetic diseases. Last evaluated: 2022-12-26. Review status: criteria provided, single submitter. Criteria: Ambry Variant Classification Scheme 2023. Collection method: clinical testing. Allele origin: germline.
Comment: The p.N167Y variant (also known as c.499A>T), located in coding exon 5 of the BUB1B gene, results from an A to T substitution at nucleotide position 499. The asparagine at codon 167 is replaced by tyrosine, an amino acid with dissimilar properties. This amino acid position is conserved. In addition, the in silico prediction for this alteration is inconclusive. Since supporting evidence is limited at this time, the clinical significance of this alteration remains unclear.